The following is an entry in ClinVar:

ClinVar aggregate classification (germline): Uncertain significance (1 of 4 stars; one submission).

Conditions:
Hereditary breast ovarian cancer syndrome. Also called: Breast and ovarian cancer; Hereditary breast and ovarian cancer; Hereditary breast and/or ovarian cancer syndrome; BRCA1- and BRCA2-Associated Hereditary Breast and Ovarian Cancer; Hereditary breast and ovarian cancer syndrome; Hereditary breast and ovarian cancer syndrome (HBOC). Identifiers: Orphanet 145, MedGen C0677776, MeSH D061325, MONDO:0003582. Disease mechanism: loss of function.

Submission:

Labcorp Genetics (formerly Invitae), Labcorp
Classification: Uncertain significance for Hereditary breast ovarian cancer syndrome. Last evaluated: 2019-01-13. Review status: criteria provided, single submitter. Criteria: Invitae Variant Classification Sherloc (09022015). Collection method: clinical testing. Allele origin: germline.
Comment: This sequence change replaces asparagine with lysine at codon 2644 of the BRCA2 protein (p.Asn2644Lys). The asparagine residue is moderately conserved and there is a moderate physicochemical difference between asparagine and lysine. In summary, the available evidence is currently insufficient to determine the role of this variant in disease. Therefore, it has been classified as a Variant of Uncertain Significance. Algorithms developed to predict the effect of missense changes on protein structure and function are either unavailable or do not agree on the potential impact of this missense change (SIFT: "Tolerated"; PolyPhen-2: "Possibly Damaging"; Align-GVGD: "Class C0"). This variant has not been reported in the literature in individuals with BRCA2-related conditions. This variant is not present in population databases (ExAC no frequency).

NM_000059.4(BRCA2):c.7932T>G (p.Asn2644Lys)

Gene: BRCA2 (BRCA2 DNA repair associated; plus strand). Cytogenetic location: 13q13.1.
Variant type: single nucleotide variant.
Coding change: c.7932T>G on transcript NM_000059.4 (MANE Select); coding-DNA position 7932, T replaced by G.
Protein change: p.Asn2644Lys; replaces asparagine 2644 with lysine.
Molecular consequence: missense variant.
Genome position (GRCh38, 1-based): chr13:32,362,649, T>G. VCF-style: chr13-32362649-T-G. GRCh37 (hg19) VCF-style: chr13-32936786-T-G.
Other names: short protein forms N2644K.
Identifiers: ClinVar variation 845395 (VCV000845395.10), dbSNP rs1060504625, ClinGen allele CA387747209.
Genomic context (GRCh38, chr13:32,362,649, plus strand): 5'-TAGATGGATCATATGGAAACTGGCAGCTATGGAATGTGCCTTTCCTAAGGAATTTGCTAA[T>G]AGATGCCTAAGCCCAGAAAGGGTGCTTCTTCAACTAAAATACAGGCAAGTTTAAAGCATT-3'
Protein context (NP_000050.3, residues 2634-2654): MECAFPKEFA[Asn2644Lys]RCLSPERVLL